The following is an entry in ClinVar:

NM_001943.5(DSG2):c.731G>A (p.Gly244Asp)

Gene: DSG2 (desmoglein 2; plus strand). Cytogenetic location: 18q12.1.
Variant type: single nucleotide variant.
Coding change: c.731G>A on transcript NM_001943.5 (MANE Select); coding-DNA position 731, G replaced by A.
Protein change: p.Gly244Asp; replaces glycine 244 with aspartic acid.
Molecular consequence: missense variant.
Genome position (GRCh38, 1-based): chr18:31,524,488, G>A. VCF-style: chr18-31524488-G-A. GRCh37 (hg19) VCF-style: chr18-29104451-G-A.
Other names: short protein forms G244D.
Identifiers: ClinVar variation 4758888 (VCV004758888.1).
Genomic context (GRCh38, chr18:31,524,488, plus strand): 5'-CATTTTTCATTGCTCTGCAGGAACACAGCAGCTACACTTTGACAGTAGAAGCAAGAGATG[G>A]CAATGGAGAAGTTACAGACAAACCTGTAAAACAAGCTCAAGTTCAGATTCGTATTTTGGA-3'
Protein context (NP_001934.2, residues 234-254): SYTLTVEARD[Gly244Asp]NGEVTDKPVK

ClinVar aggregate classification (germline): Uncertain significance (1 of 4 stars; one submission).

Conditions:
Cardiomyopathy (CMYO). Also called: Cardiomyopathies. Identifiers: Orphanet 167848, MedGen C0878544, MONDO:0004994, HP:0001638. Inheritance: Various modes of inheritance.

gnomAD v4.1: 1 of 1,614,126 alleles (0.000062%); highest among the groups gnomAD compares: Non-Finnish European, 0.000085%; no homozygotes.

Submission:

Color Diagnostics, LLC DBA Color Health
Classification: Uncertain significance for Cardiomyopathy. Last evaluated: 2025-07-17. Review status: criteria provided, single submitter. Criteria: ACMG Guidelines, 2015. Collection method: clinical testing. Allele origin: germline.
Comment: This missense variant replaces glycine with aspartic acid at codon 244 of the DSG2 protein. Computational prediction suggests that this variant may not impact protein structure and function. To our knowledge, functional studies have not been reported for this variant. This variant has not been reported in individuals affected with DSG2-related disorders in the literature. This variant has not been identified in the general population by the Genome Aggregation Database (gnomAD). The available evidence is insufficient to determine the role of this variant in disease conclusively. Therefore, this variant is classified as a Variant of Uncertain Significance.